The following is an entry in ClinVar:

ClinVar aggregate classification (germline): Uncertain significance. Review status: criteria provided, multiple submitters, no conflicts (2 of 4 stars). 2 submissions from 2 submitters: Uncertain significance (2). Last evaluated 2025-12-15.

Conditions:
EGFR-related lung cancer (EGFR). Identifiers: MedGen CN130014.
Hereditary cancer-predisposing syndrome. Also called: Hereditary neoplastic syndrome; Neoplastic Syndromes, Hereditary; Hereditary Cancer Syndrome; Tumor predisposition. Identifiers: Orphanet 140162, MedGen C0027672, MeSH D009386, MONDO:0015356.

Allele frequency attached by ClinVar (database versions not stated): TOPMed below 0.00001; ExAC 0.00001; gnomAD exomes 0.00001.
gnomAD v4.1: 13 of 1,614,238 alleles (0.00081%); highest among the groups gnomAD compares: Non-Finnish European, 0.0011%; no homozygotes.

Submissions (2):

Labcorp Genetics (formerly Invitae), Labcorp
Classification: Uncertain significance for EGFR-related lung cancer. Last evaluated: 2025-12-15. Review status: criteria provided, single submitter. Criteria: Invitae Variant Classification Sherloc (09022015). Collection method: clinical testing. Allele origin: germline.
Comment: This sequence change replaces glutamine, which is neutral and polar, with lysine, which is basic and polar, at codon 701 of the EGFR protein (p.Gln701Lys). This variant is present in population databases (rs774261340, gnomAD 0.0009%). This variant has not been reported in the literature in individuals affected with EGFR-related conditions. ClinVar contains an entry for this variant (Variation ID: 1487110). An algorithm developed to predict the effect of missense changes on protein structure and function (PolyPhen-2) suggests that this variant is likely to be disruptive. In summary, the available evidence is currently insufficient to determine the role of this variant in disease. Therefore, it has been classified as a Variant of Uncertain Significance.

Ambry Genetics
Classification: Uncertain significance for Hereditary cancer-predisposing syndrome. Last evaluated: 2025-05-27. Review status: criteria provided, single submitter. Criteria: Ambry Variant Classification Scheme 2023. Collection method: clinical testing. Allele origin: germline.
Comment: The p.Q701K variant (also known as c.2101C>A), located in coding exon 18 of the EGFR gene, results from a C to A substitution at nucleotide position 2101. The glutamine at codon 701 is replaced by lysine, an amino acid with similar properties. This amino acid position is highly conserved in available vertebrate species. In addition, the in silico prediction for this alteration is inconclusive. Based on the available evidence, the clinical significance of this variant remains unclear.

NM_005228.5(EGFR):c.2101C>A (p.Gln701Lys)

Gene: EGFR (epidermal growth factor receptor; plus strand). Cytogenetic location: 7p11.2.
Variant type: single nucleotide variant.
Coding change: c.2101C>A on transcript NM_005228.5 (MANE Select); coding-DNA position 2101, C replaced by A.
Protein change: p.Gln701Lys; replaces glutamine 701 with lysine.
Molecular consequence: missense variant.
Genome position (GRCh38, 1-based): chr7:55,173,960, C>A. VCF-style: chr7-55173960-C-A. GRCh37 (hg19) VCF-style: chr7-55241653-C-A.
Other names: c.2101C>A (NM_005228.3); c.1966C>A, p.Gln656Lys (NM_001346897.2, NM_001346899.2); c.2101C>A, p.Gln701Lys (NM_001346898.2); c.1942C>A, p.Gln648Lys (NM_001346900.2); c.1300C>A, p.Gln434Lys (NM_001346941.2); short protein forms Q656K, Q701K, Q434K, Q648K.
Identifiers: ClinVar variation 1487110 (VCV001487110.7), dbSNP rs774261340, ClinGen allele CA4265978.